The following is an entry in ClinVar:

ClinVar aggregate classification (germline): Pathogenic (1 of 4 stars; one submission).

Conditions:
Deficiency of galactokinase. Also called: GALACTOSEMIA II; Galactokinase deficiency with cataracts. Identifiers: Orphanet 352, Orphanet 79237, MedGen C0268155, MONDO:0009255, OMIM 230200.

Submission:

Myriad Genetics, Inc.
Classification: Pathogenic for Deficiency of galactokinase. Last evaluated: 2024-06-23. Review status: criteria provided, single submitter. Criteria: Myriad Autosomal Dominant, Autosomal Recessive and X-Linked Classification Criteria (2023). Collection method: clinical testing. Allele origin: unknown.
Comment: NM_000154.1(GALK1):c.835_838delCGGC(R279Tfs*16) is expected to be pathogenic in the context of galactokinase deficiency. This variant is predicted to lead to an abnormal or absent protein product due to the creation of a premature termination codon in GALK1, a gene where loss-of-function variants are known to be pathogenic. Please note: this variant was assessed in the context of healthy population screening.

NM_000154.2(GALK1):c.835_838del (p.Arg279fs)

Gene: GALK1 (galactokinase 1; minus strand). Cytogenetic location: 17q25.1.
Variant type: Deletion.
Coding change: c.835_838del on transcript NM_000154.2 (MANE Select); coding-DNA positions 835 to 838, 4 bases deleted (CGGC; older notation c.835_838delCGGC).
Protein change: p.Arg279fs; shifts the reading frame from arginine 279.
Molecular consequence: frameshift variant.
Genome position (GRCh38, 1-based): chr17:75,758,555-75,758,558, GCCG deleted on the plus strand (CGGC on the coding strand, the reverse complement: GALK1 is on the minus strand); deleting any 4 consecutive bases within chr17:75,758,555-75,758,559 gives the same sequence; the c. name uses the placement nearest the transcript's 3' end. VCF-style (leftmost placement, unchanged base first): chr17-75758554-TGCCG-T. GRCh37 (hg19) VCF-style: chr17-73754635-TGCCG-T.
Other names: c.835_838del, p.Arg279fs (NM_001381985.1); short protein forms R279fs.
Identifiers: ClinVar variation 5013234 (VCV005013234.1).
Genomic context (GRCh38, chr17:75,758,554, plus strand): 5'-TAGTCGCCACGTCTCAGGGCGGCCGCTGCCTGGGCCGTGCGCCGAATCTCCCCCACCACG[TGCCG>T]GGCCCGCCGGAAGCCCTCTTTGCTCACCAGGTCCCTGGCAGCTGGGGAGGAAAGAGGAGT-3'